The following is an entry in ClinVar:

ClinVar aggregate classification (germline): Uncertain significance (1 of 4 stars; one submission).

Conditions:
Dyskeratosis congenita. Identifiers: Orphanet 1775, MedGen C0265965, MONDO:0015780.

Allele frequency attached by ClinVar (database versions not stated): gnomAD exomes below 0.00001; TOPMed 0.00001.

Submission:

Labcorp Genetics (formerly Invitae), Labcorp
Classification: Uncertain significance for Dyskeratosis congenita. Last evaluated: 2024-04-22. Review status: criteria provided, single submitter. Criteria: Invitae Variant Classification Sherloc (09022015). Collection method: clinical testing. Allele origin: germline.
Comment: This sequence change replaces valine, which is neutral and non-polar, with methionine, which is neutral and non-polar, at codon 399 of the CTC1 protein (p.Val399Met). The frequency data for this variant in the population databases is considered unreliable, as metrics indicate poor data quality at this position in the gnomAD database. This variant has not been reported in the literature in individuals affected with CTC1-related conditions. ClinVar contains an entry for this variant (Variation ID: 1385652). Advanced modeling of protein sequence and biophysical properties (such as structural, functional, and spatial information, amino acid conservation, physicochemical variation, residue mobility, and thermodynamic stability) performed at Invitae indicates that this missense variant is expected to disrupt CTC1 protein function with a positive predictive value of 80%. In summary, the available evidence is currently insufficient to determine the role of this variant in disease. Therefore, it has been classified as a Variant of Uncertain Significance.

NM_025099.6(CTC1):c.1195G>A (p.Val399Met)

Gene: CTC1 (CST telomere replication complex component 1; minus strand). Cytogenetic location: 17p13.1.
Variant type: single nucleotide variant.
Coding change: c.1195G>A on transcript NM_025099.6 (MANE Select); coding-DNA position 1195, G replaced by A.
Protein change: p.Val399Met; replaces valine 399 with methionine.
Molecular consequence: missense variant. On other transcripts: non-coding transcript variant (1).
Genome position (GRCh38, 1-based): chr17:8,235,842, C>T on the plus strand (G>A on the coding strand, the complement: CTC1 is on the minus strand). VCF-style: chr17-8235842-C-T. GRCh37 (hg19) VCF-style: chr17-8139160-C-T.
Other names: short protein forms V399M.
Identifiers: ClinVar variation 1385652 (VCV001385652.7), dbSNP rs1197080779, ClinGen allele CA397986571.